The following is an entry in ClinVar:

NM_001035.3(RYR2):c.514G>A (p.Gly172Arg)

Gene: RYR2 (ryanodine receptor 2; plus strand). Cytogenetic location: 1q43.
Variant type: single nucleotide variant.
Coding change: c.514G>A on transcript NM_001035.3 (MANE Select); coding-DNA position 514, G replaced by A.
Protein change: p.Gly172Arg; replaces glycine 172 with arginine.
Molecular consequence: missense variant.
Genome position (GRCh38, 1-based): chr1:237,377,373, G>A. VCF-style: chr1-237377373-G-A. GRCh37 (hg19) VCF-style: chr1-237540673-G-A.
Other names: short protein forms G172R.
Identifiers: ClinVar variation 1072928 (VCV001072928.10), dbSNP rs1701129738, ClinGen allele CA345375569.
Genomic context (GRCh38, chr1:237,377,373, plus strand): 5'-ATATCTGCAGGGGAGGCTTGTTGGTGGACCATACACCCTGCCTCTAAGCAGCGATCAGAA[G>A]GAGAAAAAGTACGAGTTGGAGATGACCTCATCTTAGTTAGCGTGTCCTCTGAAAGGTACT-3'
Protein context (NP_001026.2, residues 162-182): IHPASKQRSE[Gly172Arg]EKVRVGDDLI

ClinVar aggregate classification (germline): Pathogenic (1 of 4 stars; one submission).

Conditions:
Catecholaminergic polymorphic ventricular tachycardia 1. Also called: VENTRICULAR TACHYCARDIA, CATECHOLAMINERGIC POLYMORPHIC, 1, WITH OR WITHOUT ATRIAL DYSFUNCTION AND/OR DILATED CARDIOMYOPATHY; VENTRICULAR TACHYCARDIA, STRESS-INDUCED POLYMORPHIC 1; RYR2-Related Catecholaminergic Polymorphic Ventricular Tachycardia. Identifiers: Orphanet 3286, MedGen C1631597, MONDO:0011484, OMIM 604772.

Submission:

Labcorp Genetics (formerly Invitae), Labcorp
Classification: Pathogenic for Catecholaminergic polymorphic ventricular tachycardia 1. Last evaluated: 2025-10-29. Review status: criteria provided, single submitter. Criteria: Invitae Variant Classification Sherloc (09022015). Collection method: clinical testing. Allele origin: germline.
Comment: This sequence change replaces glycine, which is neutral and non-polar, with arginine, which is basic and polar, at codon 172 of the RYR2 protein (p.Gly172Arg). This variant is not present in population databases (gnomAD no frequency). This missense change has been observed in individual(s) with clinical features of autosomal dominant catecholaminergic polymorphic ventricular tachycardia (internal data). In at least one individual the variant was observed to be de novo. ClinVar contains an entry for this variant (Variation ID: 1072928). Invitae Evidence Modeling of protein sequence and biophysical properties (such as structural, functional, and spatial information, amino acid conservation, physicochemical variation, residue mobility, and thermodynamic stability) indicates that this missense variant is expected to disrupt RYR2 protein function with a positive predictive value of 95%. This variant disrupts the p.Gly172 amino acid residue in RYR2. Other variant(s) that disrupt this residue have been determined to be pathogenic (internal data). This suggests that this residue is clinically significant, and that variants that disrupt this residue are likely to be disease-causing. For these reasons, this variant has been classified as Pathogenic.